The following is an entry in ClinVar:

NM_000812.4(GABRB1):c.1380C>A (p.Thr460=)

Gene: GABRB1 (gamma-aminobutyric acid type A receptor subunit beta1; plus strand). Cytogenetic location: 4p12.
Variant type: single nucleotide variant.
Coding change: c.1380C>A on transcript NM_000812.4 (MANE Select); coding-DNA position 1380, C replaced by A.
Protein change: p.Thr460=; no amino-acid change (threonine 460 retained).
Molecular consequence: synonymous variant.
Genome position (GRCh38, 1-based): chr4:47,425,973, C>A. VCF-style: chr4-47425973-C-A. GRCh37 (hg19) VCF-style: chr4-47427990-C-A.
Identifiers: ClinVar variation 1982293 (VCV001982293.29), dbSNP rs780169978, ClinGen allele CA2907811.
Genomic context (GRCh38, chr4:47,425,973, plus strand): 5'-CCCCGACTTGACTGATGTGAATTCCATAGACAAGTGGTCCCGAATGTTTTTCCCCATCAC[C>A]TTTTCTCTTTTTAATGTCGTCTATTGGCTTTACTATGTACACTGAGGTCTGTTCTAATGG-3'
Protein context (NP_000803.2, residues 450-470): DKWSRMFFPI[Thr460=]FSLFNVVYWL

ClinVar aggregate classification (germline): Likely benign. Review status: criteria provided, multiple submitters, no conflicts (2 of 4 stars). 3 submissions from 3 submitters: Likely benign (3). Last evaluated 2025-10-01.

Allele frequency attached by ClinVar (database versions not stated): ExAC 0.00002; TOPMed 0.00003; gnomAD 0.00005.
gnomAD v4.1: 27 of 1,609,596 alleles (0.0017%); highest among the groups gnomAD compares: Non-Finnish European, 0.0021%; no homozygotes.

Submissions (3):

CeGaT Center for Human Genetics Tuebingen
Classification: Likely benign. Last evaluated: 2025-10-01. Review status: criteria provided, single submitter. Criteria: CeGaT Center For Human Genetics Tuebingen Variant Classification Criteria Version 2. Collection method: clinical testing. Allele origin: germline. Affected: yes. Observed: 2 variant alleles.
Comment: GABRB1: BP4, BP7

Labcorp Genetics (formerly Invitae), Labcorp
Classification: Likely benign. Last evaluated: 2024-12-07. Review status: criteria provided, single submitter. Criteria: Invitae Variant Classification Sherloc (09022015). Collection method: clinical testing. Allele origin: germline.

Blueprint Genetics
Classification: Likely benign. Last evaluated: 2021-05-31. Review status: criteria provided, single submitter. Criteria: ACMG Guidelines, 2015. Collection method: clinical testing. Allele origin: germline.